The following is an entry in ClinVar:

NM_002225.5(IVD):c.286+5G>T

Gene: IVD (isovaleryl-CoA dehydrogenase; plus strand). Cytogenetic location: 15q15.1.
Variant type: single nucleotide variant.
Coding change: c.286+5G>T on transcript NM_002225.5 (MANE Select); 5 bases into the intron after coding-DNA position 286, G replaced by T.
Molecular consequence: intron variant.
Genome position (GRCh38, 1-based): chr15:40,407,995, G>T. VCF-style: chr15-40407995-G-T. GRCh37 (hg19) VCF-style: chr15-40700194-G-T.
Other names: c.373+5G>T (NM_001354600.3, NM_001354599.3); c.286+5G>T (NM_001354598.3, NM_001354601.3); c.238+5G>T (NM_001354597.3); c.196+5G>T (NM_001159508.3).
Identifiers: ClinVar variation 1176629 (VCV001176629.37), dbSNP rs878909737, ClinGen allele CA268825362.

ClinVar aggregate classification (germline): Likely pathogenic. Review status: criteria provided, multiple submitters, no conflicts (2 of 4 stars). 3 submissions from 3 submitters: Likely pathogenic (3). Last evaluated 2024-10-04.

Conditions:
Isovaleryl-CoA dehydrogenase deficiency (IVA). Also called: Classic Isovaleric Acidemia; IVD DEFICIENCY; ISOVALERIC ACID CoA DEHYDROGENASE DEFICIENCY; Isovaleric acidemia. Identifiers: Orphanet 33, MedGen C0268575, MONDO:0009475, OMIM 243500.

Allele frequency attached by ClinVar (database versions not stated): gnomAD exomes below 0.00001; gnomAD 0.00001; TOPMed 0.00001.
gnomAD v4.1: 5 of 1,613,610 alleles (0.00031%); highest among the groups gnomAD compares: Non-Finnish European, 0.00025%; no homozygotes.

Submissions (3):

Dubai Health Genomic Medicine Center, Dubai Health
Classification: Likely pathogenic for Isovaleric acidemia. Last evaluated: 2024-10-04. Review status: criteria provided, single submitter. Criteria: ACMG Guidelines, 2015. Collection method: research. Allele origin: germline. Affected: yes.
Comment: PM3(moderate),PM2,PP3

GeneDx
Classification: Likely pathogenic. Last evaluated: 2022-11-21. Review status: criteria provided, single submitter. Criteria: GeneDx Variant Classification Process June 2021. Collection method: clinical testing. Allele origin: germline. Affected: yes.
Comment: Intronic +5 splice site variant in a gene for which loss of function is a known mechanism of disease, and splice predictors support a deleterious effect; Not observed at significant frequency in large population cohorts (gnomAD); This variant is associated with the following publications: (PMID: 25525159, 22960500, 33496032, 15486829)

CeGaT Center for Human Genetics Tuebingen
Classification: Likely pathogenic. Last evaluated: 2021-05-01. Review status: criteria provided, single submitter. Criteria: CeGaT Center For Human Genetics Tuebingen Variant Classification Criteria Version 2. Collection method: clinical testing. Allele origin: germline. Affected: yes. Observed: 1 variant allele.